The following is an entry in ClinVar:

NM_001273.5(CHD4):c.2506C>T (p.Arg836Cys)

Gene: CHD4 (chromodomain helicase DNA binding protein 4; minus strand). Cytogenetic location: 12p13.31.
Variant type: single nucleotide variant.
Coding change: c.2506C>T on transcript NM_001273.5 (MANE Select); coding-DNA position 2506, C replaced by T.
Protein change: p.Arg836Cys; replaces arginine 836 with cysteine.
Molecular consequence: missense variant.
Genome position (GRCh38, 1-based): chr12:6,593,424, G>A on the plus strand (C>T on the coding strand, the complement: CHD4 is on the minus strand). VCF-style: chr12-6593424-G-A. GRCh37 (hg19) VCF-style: chr12-6702590-G-A.
Other names: c.2485C>T, p.Arg829Cys (NM_001297553.2); c.2467C>T, p.Arg823Cys (NM_001363606.2); short protein forms R823C, R829C, R836C.
Identifiers: ClinVar variation 1308040 (VCV001308040.8), dbSNP rs933562750, ClinGen allele CA232392976.

ClinVar aggregate classification (germline): Uncertain significance. Review status: criteria provided, multiple submitters, no conflicts (2 of 4 stars). 3 submissions from 3 submitters: Uncertain significance (3). Last evaluated 2025-08-14.

Conditions:
Inborn genetic diseases. Identifiers: MedGen C0950123, MeSH D030342.

Allele frequency attached by ClinVar (database versions not stated): gnomAD exomes below 0.00001; TOPMed 0.00001.
gnomAD v4.1: 3 of 1,614,014 alleles (0.00019%); highest among the groups gnomAD compares: Non-Finnish European, 0.00025%; no homozygotes.

Submissions (3):

Ambry Genetics
Classification: Uncertain significance for Inborn genetic diseases. Last evaluated: 2025-08-14. Review status: criteria provided, single submitter. Criteria: Ambry Variant Classification Scheme 2023. Collection method: clinical testing. Allele origin: germline.

Labcorp Genetics (formerly Invitae), Labcorp
Classification: Uncertain significance. Last evaluated: 2021-10-20. Review status: criteria provided, single submitter. Criteria: Invitae Variant Classification Sherloc (09022015). Collection method: clinical testing. Allele origin: germline.
Comment: This sequence change replaces arginine with cysteine at codon 836 of the CHD4 protein (p.Arg836Cys). The arginine residue is moderately conserved and there is a large physicochemical difference between arginine and cysteine. In summary, the available evidence is currently insufficient to determine the role of this variant in disease. Therefore, it has been classified as a Variant of Uncertain Significance. Algorithms developed to predict the effect of missense changes on protein structure and function are either unavailable or do not agree on the potential impact of this missense change (SIFT: "Deleterious"; PolyPhen-2: "Benign"; Align-GVGD: "Class C55"). This variant has not been reported in the literature in individuals affected with CHD4-related conditions. This variant is not present in population databases (ExAC no frequency).

GeneDx
Classification: Uncertain significance. Last evaluated: 2019-08-18. Review status: criteria provided, single submitter. Criteria: GeneDx Variant Classification Process June 2021. Collection method: clinical testing. Allele origin: germline. Affected: yes.
Comment: Not observed in large population cohorts (Lek et al., 2016); In silico analysis, which includes protein predictors and evolutionary conservation, supports a deleterious effect; Has not been previously published as pathogenic or benign to our knowledge